The following is an entry in ClinVar:

NM_001365276.2(TNXB):c.1085G>T (p.Gly362Val)

Gene: TNXB (tenascin XB; minus strand). Cytogenetic location: 6p21.33.
Variant type: single nucleotide variant.
Coding change: c.1085G>T on transcript NM_001365276.2 (MANE Select); coding-DNA position 1085, G replaced by T.
Protein change: p.Gly362Val; replaces glycine 362 with valine.
Molecular consequence: missense variant.
Genome position (GRCh38, 1-based): chr6:32,096,768, C>A on the plus strand (G>T on the coding strand, the complement: TNXB is on the minus strand). VCF-style: chr6-32096768-C-A. GRCh37 (hg19) VCF-style: chr6-32064545-C-A.
Other names: c.1085G>T, p.Gly362Val (NM_001428335.1, NM_019105.8); short protein forms G362V.
Identifiers: ClinVar variation 3809328 (VCV003809328.1).

ClinVar aggregate classification (germline): Uncertain significance (1 of 4 stars; one submission).

Conditions:
Cardiovascular phenotype. Identifiers: MedGen CN230736.

gnomAD v4.1: 1 of 1,563,570 alleles (0.000064%); highest among the groups gnomAD compares: Non-Finnish European, 0.000087%; no homozygotes.

Submission:

Ambry Genetics
Classification: Uncertain significance for Cardiovascular phenotype. Last evaluated: 2025-01-06. Review status: criteria provided, single submitter. Criteria: Ambry Variant Classification Scheme 2023. Collection method: clinical testing. Allele origin: germline.
Comment: The p.G362V variant (also known as c.1085G>T), located in coding exon 2 of the TNXB gene, results from a G to T substitution at nucleotide position 1085. The glycine at codon 362 is replaced by valine, an amino acid with dissimilar properties. This amino acid position is conserved. In addition, this alteration is predicted to be tolerated by in silico analysis. Based on the available evidence, the clinical significance of this variant remains unclear.